The following is an entry in ClinVar:

ClinVar aggregate classification (germline): Uncertain significance. Review status: criteria provided, multiple submitters, no conflicts (2 of 4 stars). 2 submissions from 2 submitters: Uncertain significance (2). Last evaluated 2023-10-20.

Conditions:
Familial adenomatous polyposis 1 (FAP1). Also called: FAMILIAL ADENOMATOUS POLYPOSIS 1, ATTENUATED; POLYPOSIS, ADENOMATOUS INTESTINAL. Identifiers: MedGen C2713442, MONDO:0021056, OMIM 175100. Disease mechanism: loss of function.
Hereditary cancer-predisposing syndrome. Also called: Hereditary Cancer Syndrome; Tumor predisposition; Hereditary neoplastic syndrome; Neoplastic Syndromes, Hereditary. Identifiers: Orphanet 140162, MedGen C0027672, MeSH D009386, MONDO:0015356.

Submissions (2):

Ambry Genetics
Classification: Uncertain significance for Hereditary cancer-predisposing syndrome. Last evaluated: 2023-10-20. Review status: criteria provided, single submitter. Criteria: Ambry Variant Classification Scheme 2023. Collection method: clinical testing. Allele origin: germline.
Comment: The p.L2456V variant (also known as c.7366T>G), located in coding exon 15 of the APC gene, results from a T to G substitution at nucleotide position 7366. The leucine at codon 2456 is replaced by valine, an amino acid with highly similar properties. This amino acid position is conserved. In addition, in silico predictors for this gene do not accurately predict pathogenicity. Since supporting evidence is limited at this time, the clinical significance of this alteration remains unclear.

Labcorp Genetics (formerly Invitae), Labcorp
Classification: Uncertain significance for Familial adenomatous polyposis 1. Last evaluated: 2020-07-22. Review status: criteria provided, single submitter. Criteria: Invitae Variant Classification Sherloc (09022015). Collection method: clinical testing. Allele origin: germline.
Comment: In summary, the available evidence is currently insufficient to determine the role of this variant in disease. Therefore, it has been classified as a Variant of Uncertain Significance. Algorithms developed to predict the effect of missense changes on protein structure and function are either unavailable or do not agree on the potential impact of this missense change (SIFT: "Tolerated"; PolyPhen-2: "Probably Damaging"; Align-GVGD: "Class C0"). This sequence change replaces leucine with valine at codon 2456 of the APC protein (p.Leu2456Val). The leucine residue is highly conserved and there is a small physicochemical difference between leucine and valine. This variant is not present in population databases (ExAC no frequency). This variant has not been reported in the literature in individuals with APC-related conditions.

NM_000038.6(APC):c.7366T>G (p.Leu2456Val)

Gene: APC (APC regulator of Wnt signaling pathway; plus strand). Cytogenetic location: 5q22.2.
Variant type: single nucleotide variant.
Coding change: c.7366T>G on transcript NM_000038.6 (MANE Select); coding-DNA position 7366, T replaced by G.
Protein change: p.Leu2456Val; replaces leucine 2456 with valine.
Molecular consequence: missense variant.
Genome position (GRCh38, 1-based): chr5:112,842,960, T>G. VCF-style: chr5-112842960-T-G. GRCh37 (hg19) VCF-style: chr5-112178657-T-G.
Other names: c.7366T>G (NM_000038.5); c.7366T>G, p.Leu2456Val (NM_001127510.3, NM_001354895.2); c.7312T>G, p.Leu2438Val (NM_001127511.3); c.7420T>G, p.Leu2474Val (NM_001354896.2); c.7396T>G, p.Leu2466Val (NM_001354897.2); c.7291T>G, p.Leu2431Val (NM_001354898.2); c.7282T>G, p.Leu2428Val (NM_001354899.2); c.7243T>G, p.Leu2415Val (NM_001354900.2); and 6 more; short protein forms L2173V, L2296V, L2330V, L2355V, L2365V, L2397V, L2415V, L2428V.
Identifiers: ClinVar variation 1057088 (VCV001057088.11), dbSNP rs1192175221, ClinGen allele CA16037375.